The following is an entry in ClinVar:

NM_001276270.2(MBD4):c.928G>A (p.Val310Ile)

Gene: MBD4 (methyl-CpG binding domain 4, DNA glycosylase; minus strand). Cytogenetic location: 3q21.3.
Variant type: single nucleotide variant.
Coding change: c.928G>A on transcript NM_001276270.2 (MANE Select); coding-DNA position 928, G replaced by A.
Protein change: p.Val310Ile; replaces valine 310 with isoleucine.
Molecular consequence: missense variant. On other transcripts: intron variant (1).
Genome position (GRCh38, 1-based): chr3:129,436,716, C>T on the plus strand (G>A on the coding strand, the complement: MBD4 is on the minus strand). VCF-style: chr3-129436716-C-T. GRCh37 (hg19) VCF-style: chr3-129155559-C-T.
Other names: c.928G>A, p.Val310Ile (NM_001276271.2, NM_001276272.2, NM_003925.3); c.247+1092G>A (NM_001276273.2); short protein forms V310I.
Identifiers: ClinVar variation 3645708 (VCV003645708.2).

ClinVar aggregate classification (germline): Uncertain significance (1 of 4 stars; one submission).

Submission:

Labcorp Genetics (formerly Invitae), Labcorp
Classification: Uncertain significance. Last evaluated: 2024-03-12. Review status: criteria provided, single submitter. Criteria: Invitae Variant Classification Sherloc (09022015). Collection method: clinical testing. Allele origin: germline.
Comment: This sequence change replaces valine, which is neutral and non-polar, with isoleucine, which is neutral and non-polar, at codon 310 of the MBD4 protein (p.Val310Ile). This variant is present in population databases (no rsID available, gnomAD 0.003%). This variant has not been reported in the literature in individuals affected with MBD4-related conditions. Algorithms developed to predict the effect of missense changes on protein structure and function output the following: SIFT: "Not Available"; PolyPhen-2: "Benign"; Align-GVGD: "Not Available". The isoleucine amino acid residue is found in multiple mammalian species, which suggests that this missense change does not adversely affect protein function. In summary, the available evidence is currently insufficient to determine the role of this variant in disease. Therefore, it has been classified as a Variant of Uncertain Significance.